The following is an entry in ClinVar:

ClinVar aggregate classification (germline): Uncertain significance (1 of 4 stars; one submission).

Allele frequency attached by ClinVar (database versions not stated): gnomAD exomes below 0.00001.
gnomAD v4.1: 1 of 1,613,460 alleles (0.000062%); highest among the groups gnomAD compares: Non-Finnish European, 0.000085%; no homozygotes.

Submission:

Labcorp Genetics (formerly Invitae), Labcorp
Classification: Uncertain significance. Last evaluated: 2023-03-07. Review status: criteria provided, single submitter. Criteria: Invitae Variant Classification Sherloc (09022015). Collection method: clinical testing. Allele origin: germline.
Comment: This sequence change replaces threonine, which is neutral and polar, with alanine, which is neutral and non-polar, at codon 594 of the PRDM13 protein (p.Thr594Ala). This variant is not present in population databases (gnomAD no frequency). This variant has not been reported in the literature in individuals affected with PRDM13-related conditions. An algorithm developed to predict the effect of missense changes on protein structure and function (PolyPhen-2) suggests that this variant is likely to be disruptive. In summary, the available evidence is currently insufficient to determine the role of this variant in disease. Therefore, it has been classified as a Variant of Uncertain Significance.

NM_021620.4(PRDM13):c.1780A>G (p.Thr594Ala)

Gene: PRDM13 (PR/SET domain 13; plus strand). Cytogenetic location: 6q16.2.
Variant type: single nucleotide variant.
Coding change: c.1780A>G on transcript NM_021620.4 (MANE Select); coding-DNA position 1780, A replaced by G.
Protein change: p.Thr594Ala; replaces threonine 594 with alanine.
Molecular consequence: missense variant.
Genome position (GRCh38, 1-based): chr6:99,614,415, A>G. VCF-style: chr6-99614415-A-G. GRCh37 (hg19) VCF-style: chr6-100062291-A-G.
Other names: short protein forms T594A.
Identifiers: ClinVar variation 3012272 (VCV003012272.3), dbSNP rs2538547760, ClinGen allele CA365121529.
Genomic context (GRCh38, chr6:99,614,415, plus strand): 5'-CTGTGCCTCTACTGTGGCAAGCTGTACTCGCGCAAGTATGGGCTCAAGATCCACATGCGG[A>G]CGCACACGGGCTACAAGCCACTCAAGTGCAAAGTCTGTCTGCGGCCCTTCGGCGACCCCA-3'
Protein context (NP_067633.2, residues 584-604): RKYGLKIHMR[Thr594Ala]HTGYKPLKCK